The following is an entry in ClinVar:

ClinVar aggregate classification (germline): Uncertain significance. Review status: criteria provided, multiple submitters, no conflicts (2 of 4 stars). 3 submissions from 3 submitters: Uncertain significance (2). 1 of the submissions does not count toward it. Last evaluated 2026-01-21.

Conditions:
Congenital myasthenic syndrome 4A. Also called: Myasthenic syndrome, congenital, 4a, slow-channel; CONGENITAL MYASTHENIC SYNDROME TYPE Ia1; MYASTHENIC SYNDROME, CONGENITAL, 4A, SLOW-CHANNEL, AUTOSOMAL RECESSIVE. Identifiers: Orphanet 590, MedGen C4225413, MONDO:0011600, OMIM 605809.
Congenital myasthenic syndrome (CMS). Also called: Congenital Myasthenic Syndromes. Identifiers: Orphanet 590, MedGen C0751882, MeSH D020294, MONDO:0018940.

Allele frequency attached by ClinVar (database versions not stated): TOPMed 0.00002.
gnomAD v4.1: 29 of 1,601,648 alleles (0.0018%); highest among the groups gnomAD compares: African/African-American, 0.004%; no homozygotes.

Submissions (3):

Dasa
Classification: Uncertain significance. Last evaluated: 2026-01-21. Review status: criteria provided, single submitter. Criteria: DASA Assertion Criteria. Collection method: clinical testing. Allele origin: germline.
Comment: NM_000080.4(CHRNE):c.1142C>T (p.Ala381Val) is a missense variant that results in the substitution of alanine with valine. This variant is rare in population databases. Computational prediction algorithms are consistent with a deleterious effect. The currently available literature and clinical evidence are not sufficient to establish a definitive association between this variant and the reported condition. Therefore, this variant is classified as a variant of uncertain significance.

Labcorp Genetics (formerly Invitae), Labcorp
Classification: Uncertain significance for Congenital myasthenic syndrome 4A. Last evaluated: 2025-04-01. Review status: criteria provided, single submitter. Criteria: Invitae Variant Classification Sherloc (09022015). Collection method: clinical testing. Allele origin: germline.
Comment: This sequence change replaces alanine, which is neutral and non-polar, with valine, which is neutral and non-polar, at codon 381 of the CHRNE protein (p.Ala381Val). This variant is present in population databases (rs756786529, gnomAD 0.02%). This variant has not been reported in the literature in individuals affected with CHRNE-related conditions. ClinVar contains an entry for this variant (Variation ID: 465855). Invitae Evidence Modeling of protein sequence and biophysical properties (such as structural, functional, and spatial information, amino acid conservation, physicochemical variation, residue mobility, and thermodynamic stability) indicates that this missense variant is not expected to disrupt CHRNE protein function with a negative predictive value of 95%. In summary, the available evidence is currently insufficient to determine the role of this variant in disease. Therefore, it has been classified as a Variant of Uncertain Significance.

Natera, Inc.
Classification: Uncertain significance for Congenital myasthenic syndrome. Last evaluated: 2019-10-28. Review status: no assertion criteria provided. Collection method: clinical testing. Allele origin: germline. Not counted in ClinVar's aggregate classification.

NM_000080.4(CHRNE):c.1142C>T (p.Ala381Val)

Genes: CHRNE (cholinergic receptor nicotinic epsilon subunit; minus strand), LOC130060040 (ATAC-STARR-seq lymphoblastoid silent region 8049; plus strand). Cytogenetic location: 17p13.2.
Variant type: single nucleotide variant.
Coding change: c.1142C>T on transcript NM_000080.4 (MANE Select); coding-DNA position 1142, C replaced by T.
Protein change: p.Ala381Val; replaces alanine 381 with valine.
Molecular consequence: missense variant.
Genome position (GRCh38, 1-based): chr17:4,899,275, G>A on the plus strand (C>T on the coding strand, the complement: CHRNE is on the minus strand). VCF-style: chr17-4899275-G-A. GRCh37 (hg19) VCF-style: chr17-4802570-G-A.
Other names: c.1142C>T, p.Ala381Val (LRG_1254t1); short protein forms A381V.
Identifiers: ClinVar variation 465855 (VCV000465855.13), dbSNP rs756786529, ClinGen allele CA8314003.